The following is an entry in ClinVar:

NM_198576.4(AGRN):c.53TGG[1] (p.Val19del)

Gene: AGRN (agrin; plus strand). Cytogenetic location: 1p36.33.
Variant type: Microsatellite.
Coding change: c.53TGG[1] on transcript NM_198576.4 (MANE Select); one copy of the 3-base unit TGG starting at c.53; the reference has two copies in a row; one copy, 3 bases deleted.
Protein change: p.Val19del; deletes valine 19.
Molecular consequence: inframe deletion.
Genome position (GRCh38, 1-based): chr1:1,020,228-1,020,230, TGG deleted; deleting any 3 consecutive bases within chr1:1,020,224-1,020,230 gives the same sequence; the position shown is the placement nearest the transcript's 3' end. VCF-style (leftmost placement, unchanged base first): chr1-1020223-TGTG-T. GRCh37 (hg19) VCF-style: chr1-955603-TGTG-T.
Other names: c.53TGG[1], p.Val19del (NM_001305275.2); short protein forms V19del.
Identifiers: ClinVar variation 1388013 (VCV001388013.7), dbSNP rs1039651972, ClinGen allele CA16732771.

ClinVar aggregate classification (germline): Uncertain significance (1 of 4 stars; one submission).

Conditions:
Congenital myasthenic syndrome 8. Also called: Myasthenic syndrome, congenital, 8, with pre- and postsynaptic defects; MYASTHENIC SYNDROME, CONGENITAL, DUE TO AGRIN DEFICIENCY. Identifiers: Orphanet 590, MedGen C3808739, MONDO:0014052, OMIM 615120.

Submission:

Labcorp Genetics (formerly Invitae), Labcorp
Classification: Uncertain significance for Congenital myasthenic syndrome 8. Last evaluated: 2024-11-02. Review status: criteria provided, single submitter. Criteria: Invitae Variant Classification Sherloc (09022015). Collection method: clinical testing. Allele origin: germline.
Comment: This variant, c.56_58del, results in the deletion of 1 amino acid(s) of the AGRN protein (p.Val19del), but otherwise preserves the integrity of the reading frame. This variant is present in population databases (no rsID available, gnomAD 0.03%). This variant has not been reported in the literature in individuals affected with AGRN-related conditions. Experimental studies and prediction algorithms are not available or were not evaluated, and the functional significance of this variant is currently unknown. In summary, the available evidence is currently insufficient to determine the role of this variant in disease. Therefore, it has been classified as a Variant of Uncertain Significance.